The following is an entry in ClinVar:

NM_001267550.2(TTN):c.39965C>G (p.Ala13322Gly)

Gene: TTN (titin; minus strand). Cytogenetic location: 2q31.2.
Variant type: single nucleotide variant.
Coding change: c.39965C>G on transcript NM_001267550.2 (MANE Select); coding-DNA position 39965, C replaced by G.
Protein change: p.Ala13322Gly; replaces alanine 13322 with glycine.
Molecular consequence: missense variant. On other transcripts: intron variant (5).
Genome position (GRCh38, 1-based): chr2:178,649,562, G>C on the plus strand (C>G on the coding strand, the complement: TTN is on the minus strand). VCF-style: chr2-178649562-G-C. GRCh37 (hg19) VCF-style: chr2-179514289-G-C.
Other names: c.13283-7245C>G (NM_003319.4); c.13859-7245C>G (NM_133437.4); c.13658-7245C>G (NM_133432.3); c.32593+255C>G (NM_133378.4); c.35374+255C>G (NM_001256850.1); short protein forms A13322G.
Identifiers: ClinVar variation 993535 (VCV000993535.10), dbSNP rs552545514, ClinGen allele CA1996553.

ClinVar aggregate classification (germline): Likely benign. Review status: criteria provided, multiple submitters, no conflicts (2 of 4 stars). 4 submissions from 4 submitters: Likely benign (4). Last evaluated 2026-09-21.

Conditions:
TTN-related disorder. Also called: TTN-related condition; TTN-related disease; TTN-related disorders.

Allele frequency attached by ClinVar (database versions not stated): gnomAD exomes 0.00009 and 0.00029; ExAC 0.00024; 1000 Genomes Project 30x 0.00047; 1000 Genomes Project 0.00020; gnomAD below 0.00001 and 0.00005.
gnomAD v4.1: 136 of 1,549,650 alleles (0.0088%); highest among the groups gnomAD compares: South Asian, 0.16%; 3 homozygotes.

Submissions (4):

Molecular Diagnostic Laboratory for Inherited Cardiovascular Disease, Montreal Heart Institute
Classification: Likely benign. Last evaluated: 2026-09-21. Review status: criteria provided, single submitter. Criteria: ACMG Guidelines, 2015. Collection method: clinical testing. Allele origin: germline. Affected: no.

PreventionGenetics, part of Exact Sciences
Classification: Likely benign for TTN-related condition. Last evaluated: 2026-01-04. Review status: criteria provided, single submitter. Criteria: ACMG Guidelines, 2015. Collection method: clinical testing. Allele origin: germline.
Comment: This variant is classified as likely benign based on ACMG/AMP sequence variant interpretation guidelines (Richards et al. 2015 PMID: 25741868, with internal and published modifications).

ARUP Laboratories, Molecular Genetics and Genomics, ARUP Laboratories
Classification: Likely benign. Last evaluated: 2020-05-28. Review status: criteria provided, single submitter. Criteria: ARUP Molecular Germline Variant Investigation Process. Collection method: clinical testing. Allele origin: germline.

Athena Diagnostics
Classification: Likely benign. Last evaluated: 2020-03-30. Review status: criteria provided, single submitter. Criteria: Athena Diagnostics Criteria. Collection method: clinical testing. Allele origin: unknown.